The following is an entry in ClinVar:

NM_001605.3(AARS1):c.1261C>G (p.Pro421Ala)

Gene: AARS1 (alanyl-tRNA synthetase 1; minus strand). Cytogenetic location: 16q22.1.
Variant type: single nucleotide variant.
Coding change: c.1261C>G on transcript NM_001605.3 (MANE Select); coding-DNA position 1261, C replaced by G.
Protein change: p.Pro421Ala; replaces proline 421 with alanine.
Molecular consequence: missense variant.
Genome position (GRCh38, 1-based): chr16:70,265,624, G>C on the plus strand (C>G on the coding strand, the complement: AARS1 is on the minus strand). VCF-style: chr16-70265624-G-C. GRCh37 (hg19) VCF-style: chr16-70299527-G-C.
Other names: short protein forms P421A.
Identifiers: ClinVar variation 654287 (VCV000654287.13), dbSNP rs1157450521, ClinGen allele CA396562171.

ClinVar aggregate classification (germline): Uncertain significance. Review status: criteria provided, multiple submitters, no conflicts (2 of 4 stars). 3 submissions from 3 submitters: Uncertain significance (3). Last evaluated 2026-05-27.

Conditions:
Charcot-Marie-Tooth disease type 2. Also called: Charcot-Marie-Tooth type 2. Identifiers: Orphanet 64746, MedGen C0270914, MONDO:0018993.

Allele frequency attached by ClinVar (database versions not stated): gnomAD exomes below 0.00001 and 0.00001.
gnomAD v4.1: 6 of 1,613,864 alleles (0.00037%); highest among the groups gnomAD compares: Admixed American, 0.0017%; no homozygotes.

Submissions (3):

Women's Health and Genetics/Laboratory Corporation of America, LabCorp
Classification: Uncertain significance. Last evaluated: 2026-05-27. Review status: criteria provided, single submitter. Criteria: LabCorp Variant Classification Summary - May 2015. Collection method: clinical testing. Allele origin: germline.
Comment: Variant summary: AARS1 c.1261C>G (p.Pro421Ala) results in a non-conservative amino acid change in the encoded protein sequence. Algorithms developed to predict the effect of missense changes on protein structure and function all suggest that this variant is likely to be disruptive. The variant allele was found at a frequency of 8e-06 in 251466 control chromosomes. The available data on variant occurrences in the general population are insufficient to allow any conclusion about variant significance. To our knowledge, no occurrence of c.1261C>G in individuals affected with AARS1-related conditions and no experimental evidence demonstrating its impact on protein function have been reported. ClinVar contains an entry for this variant (Variation ID: 654287). Based on the evidence outlined above, the variant was classified as uncertain significance.

Labcorp Genetics (formerly Invitae), Labcorp
Classification: Uncertain significance for Charcot-Marie-Tooth disease type 2. Last evaluated: 2025-09-14. Review status: criteria provided, single submitter. Criteria: Invitae Variant Classification Sherloc (09022015). Collection method: clinical testing. Allele origin: germline.
Comment: This sequence change replaces proline, which is neutral and non-polar, with alanine, which is neutral and non-polar, at codon 421 of the AARS protein (p.Pro421Ala). This variant is present in population databases (no rsID available, gnomAD 0.003%). This variant has not been reported in the literature in individuals affected with AARS-related conditions. ClinVar contains an entry for this variant (Variation ID: 654287). Invitae Evidence Modeling of protein sequence and biophysical properties (such as structural, functional, and spatial information, amino acid conservation, physicochemical variation, residue mobility, and thermodynamic stability) has been performed for this missense variant. However, the output from this modeling did not meet the statistical confidence thresholds required to predict the impact of this variant on AARS protein function. In summary, the available evidence is currently insufficient to determine the role of this variant in disease. Therefore, it has been classified as a Variant of Uncertain Significance.

Revvity Omics, Revvity
Classification: Uncertain significance. Last evaluated: 2024-01-18. Review status: criteria provided, single submitter. Criteria: ACMG Guidelines, 2015. Collection method: clinical testing. Allele origin: germline.